The following is an entry in ClinVar:

ClinVar aggregate classification (germline): Uncertain significance (1 of 4 stars; one submission).

Conditions:
Dyskeratosis congenita, autosomal dominant 1 (DKCA1). Also called: Dyskeratosis congenita Scoggins type. Identifiers: Orphanet 1775, MedGen C4551974, MONDO:0007485, OMIM 127550. Inheritance: Variable.

Submission:

Labcorp Genetics (formerly Invitae), Labcorp
Classification: Uncertain significance for Dyskeratosis congenita, autosomal dominant 1. Last evaluated: 2024-08-31. Review status: criteria provided, single submitter. Criteria: Invitae Variant Classification Sherloc (09022015). Collection method: clinical testing. Allele origin: germline.
Comment: This variant occurs in the TERC gene, which encodes an RNA molecule that does not result in a protein product. This variant is not present in population databases (gnomAD no frequency). This variant has not been reported in the literature in individuals affected with TERC-related conditions. ClinVar contains an entry for this variant (Variation ID: 410643). This variant is located at the 5’ end of the TERC RNA component (PMID: 15082312, 21844345). The functional significance of this region is not well understood. In summary, the available evidence is currently insufficient to determine the role of this variant in disease. Therefore, it has been classified as a Variant of Uncertain Significance.

Literature cited by the submitters: PubMed 15082312; PubMed 21844345.

NC_000003.12:g.169765041A>G

Genes: TERC (telomerase RNA component; minus strand), LOC110806306 (telomerase RNA component (TERC) promoter; plus strand). Cytogenetic location: 3q26.2.
Variant type: single nucleotide variant.
Genome position: GRCh38 VCF-style: chr3-169765041-A-G. GRCh37 (hg19) VCF-style: chr3-169482829-A-G.
Identifiers: ClinVar variation 410643 (VCV000410643.11), dbSNP rs1060502987, ClinGen allele CA16611284.